The following is an entry in ClinVar:

ClinVar aggregate classification (germline): Uncertain significance. Review status: criteria provided, multiple submitters, no conflicts (2 of 4 stars). 2 submissions from 2 submitters: Uncertain significance (2). Last evaluated 2025-08-29.

Conditions:
Hereditary cancer-predisposing syndrome. Also called: Neoplastic Syndromes, Hereditary; Tumor predisposition; Hereditary Cancer Syndrome; Hereditary neoplastic syndrome. Identifiers: Orphanet 140162, MedGen C0027672, MeSH D009386, MONDO:0015356.
Familial adenomatous polyposis 1 (FAP1). Also called: FAMILIAL ADENOMATOUS POLYPOSIS 1, ATTENUATED; POLYPOSIS, ADENOMATOUS INTESTINAL. Identifiers: MedGen C2713442, MONDO:0021056, OMIM 175100. Disease mechanism: loss of function.

Submissions (2):

Ambry Genetics
Classification: Uncertain significance for Hereditary cancer-predisposing syndrome. Last evaluated: 2025-08-29. Review status: criteria provided, single submitter. Criteria: Ambry Variant Classification Scheme 2023. Collection method: clinical testing. Allele origin: germline.

Labcorp Genetics (formerly Invitae), Labcorp
Classification: Uncertain significance for Familial adenomatous polyposis 1. Last evaluated: 2024-09-17. Review status: criteria provided, single submitter. Criteria: Invitae Variant Classification Sherloc (09022015). Collection method: clinical testing. Allele origin: germline.
Comment: This sequence change replaces serine, which is neutral and polar, with cysteine, which is neutral and slightly polar, at codon 2771 of the APC protein (p.Ser2771Cys). This variant is not present in population databases (gnomAD no frequency). This variant has not been reported in the literature in individuals affected with APC-related conditions. Invitae Evidence Modeling of protein sequence and biophysical properties (such as structural, functional, and spatial information, amino acid conservation, physicochemical variation, residue mobility, and thermodynamic stability) indicates that this missense variant is not expected to disrupt APC protein function with a negative predictive value of 95%. In summary, the available evidence is currently insufficient to determine the role of this variant in disease. Therefore, it has been classified as a Variant of Uncertain Significance.

NM_000038.6(APC):c.8311A>T (p.Ser2771Cys)

Gene: APC (APC regulator of Wnt signaling pathway; plus strand). Cytogenetic location: 5q22.2.
Variant type: single nucleotide variant.
Coding change: c.8311A>T on transcript NM_000038.6 (MANE Select); coding-DNA position 8311, A replaced by T.
Protein change: p.Ser2771Cys; replaces serine 2771 with cysteine.
Molecular consequence: missense variant. On other transcripts: non-coding transcript variant (2).
Genome position (GRCh38, 1-based): chr5:112,843,905, A>T. VCF-style: chr5-112843905-A-T. GRCh37 (hg19) VCF-style: chr5-112179602-A-T.
Other names: c.8311A>T, p.Ser2771Cys (NM_001127510.3, NM_001354895.2, NM_001407450.1); c.8257A>T, p.Ser2753Cys (NM_001127511.3); c.8365A>T, p.Ser2789Cys (NM_001354896.2, NM_001407447.1, NM_001407448.1 and 1 more transcripts); c.8341A>T, p.Ser2781Cys (NM_001354897.2); c.8236A>T, p.Ser2746Cys (NM_001354898.2); c.8227A>T, p.Ser2743Cys (NM_001354899.2); c.8188A>T, p.Ser2730Cys (NM_001354900.2); c.8134A>T, p.Ser2712Cys (NM_001354901.2, NM_001407453.1); and 12 more; short protein forms S2645C, S2670C, S2680C, S2688C, S2712C, S2730C, S2746C, S2753C.
Identifiers: ClinVar variation 3635527 (VCV003635527.3).
Genomic context (GRCh38, chr5:112,843,905, plus strand): 5'-ACTAATGAAAGTTCTATAGTGGAACGTACCCCATTCAGTTCTAGCAGCTCAAGCAAACAC[A>T]GTTCACCTAGTGGGACTGTTGCTGCCAGAGTGACTCCTTTTAATTACAACCCAAGCCCTA-3'
Protein context (NP_000029.2, residues 2761-2781): PFSSSSSSKH[Ser2771Cys]SPSGTVAARV